The following is an entry in ClinVar:

NM_001174089.2(SLC4A11):c.1423GAG[1] (p.Glu476del)

Gene: SLC4A11 (solute carrier family 4 member 11; minus strand). Cytogenetic location: 20p13.
Variant type: Microsatellite.
Coding change: c.1423GAG[1] on transcript NM_001174089.2 (MANE Select); one copy of the 3-base unit GAG starting at c.1423; the reference has two copies in a row; one copy, 3 bases deleted; also written c.1426_1428del.
Protein change: p.Glu476del; deletes glutamic acid 476.
Molecular consequence: inframe deletion. On other transcripts: non-coding transcript variant (3).
Genome position (GRCh38, 1-based): chr20:3,230,248-3,230,250, CTC deleted on the plus strand (GAG on the coding strand, the reverse complement: SLC4A11 is on the minus strand); deleting any 3 consecutive bases within chr20:3,230,248-3,230,254 gives the same sequence; the position shown is the placement nearest the transcript's 3' end. VCF-style (leftmost placement, unchanged base first): chr20-3230247-TCTC-T. GRCh37 (hg19) VCF-style: chr20-3210893-TCTC-T.
Other names: c.1552GAG[1], p.Glu519del (NM_001174090.2); c.1309GAG[1], p.Glu438del (NM_001363745.2); c.1366GAG[1], p.Glu457del (NM_001400277.1, NM_001400278.1, NM_001400279.1); c.1438GAG[1], p.Glu481del (NM_001400280.1); c.1471GAG[1], p.Glu492del (NM_032034.4); c.1426_1428del (NM_001174089.2); short protein forms E438del, E457del, E476del, E481del, E492del, E519del.
Identifiers: ClinVar variation 3382857 (VCV003382857.2).
Genomic context (GRCh38, chr20:3,230,247, plus strand): 5'-TTTTAACCGTGCCCTTGACGGCATCCAGCACAAACGTGATGGAAATGAAGAGGGCGATGA[TCTC>T]CTCCGTCGACCTGCCAGGAGGCCATGAGCCTCATCAGAGTGGGTGTGGTCAGGGGGCAGG-3'

ClinVar aggregate classification (germline): Uncertain significance (1 of 4 stars; one submission).

Conditions:
Corneal dystrophy-perceptive deafness syndrome (CDPD). Also called: CORNEAL DYSTROPHY AND SENSORINEURAL DEAFNESS; HARBOYAN SYNDROME. Identifiers: Orphanet 1490, MedGen C1857572, MONDO:0009015, OMIM 217400.
Corneal dystrophy, Fuchs endothelial, 4 (FECD4). Identifiers: Orphanet 98974, MedGen C2750450, MONDO:0013204, OMIM 613268.
Congenital hereditary endothelial dystrophy of cornea. Also called: CORNEAL DYSTROPHY, CONGENITAL HEREDITARY ENDOTHELIAL; Congenital hereditary endothelial dystrophy of the cornea; Maumenee corneal dystrophy; Corneal endothelial dystrophy, autosomal recessive; Congenital hereditary endothelial dystrophy type II. Identifiers: Orphanet 293603, MedGen C1857569, MONDO:0009019, OMIM 217700.

Submission:

Juno Genomics, Hangzhou Juno Genomics, Inc
Classification: Uncertain significance for Corneal dystrophy, Fuchs endothelial, 4; Corneal dystrophy-perceptive deafness syndrome; Congenital hereditary endothelial dystrophy of cornea. Review status: criteria provided, single submitter. Criteria: ACMG Guidelines, 2015. Collection method: clinical testing. Allele origin: germline. Affected: yes.
Comment: Absent from controls (or at extremely low frequency if recessive) in Genome Aggregation Database, Exome Sequencing Project, 1000 Genomes Project, or Exome Aggregation Consortium.;Protein length changes due to in-frame deletions/insertions in a non-repeat region or stop-loss variants.;For recessive disorders, detected in trans with a pathogenic variant.;Patient's phenotype or family history is highly specific for a disease with a single genetic etiology.